The following is an entry in ClinVar:

NM_000018.4(ACADVL):c.358_360del (p.Ala120del)

Gene: ACADVL (acyl-CoA dehydrogenase very long chain; plus strand). Cytogenetic location: 17p13.1.
Variant type: Deletion.
Coding change: c.358_360del on transcript NM_000018.4 (MANE Select); coding-DNA positions 358 to 360, 3 bases deleted (GCC; older notation c.358_360delGCC).
Protein change: p.Ala120del; deletes alanine 120.
Molecular consequence: inframe deletion.
Genome position (GRCh38, 1-based): chr17:7,220,939-7,220,941, GCC deleted; deleting any 3 consecutive bases within chr17:7,220,937-7,220,941 gives the same sequence; the c. name uses the placement nearest the transcript's 3' end. VCF-style (leftmost placement, unchanged base first): chr17-7220936-CCCG-C. GRCh37 (hg19) VCF-style: chr17-7124255-CCCG-C.
Other names: c.358_360del (NM_000018.3); c.292_294del, p.Ala98del (NM_001033859.3); c.427_429del, p.Ala143del (NM_001270447.2); c.130_132del, p.Ala44del (NM_001270448.2); c.358_360delGCC (NM_000018.3); short protein forms A120del, A44del, A143del, A98del.
Identifiers: ClinVar variation 932748 (VCV000932748.10), dbSNP rs761449573, ClinGen allele CA8337685.
Genomic context (GRCh38, chr17:7,220,936, plus strand): 5'-TGTTAAGCTCAAAAGGAGCCTGGATGTGGGATCCTGTGCCTTCCCCAGGAAGTGAACGAT[CCCG>C]CCAAGAATGACGCTCTGGAGATGGTGGAGGAGACCACTTGGCAGGGCCTCAAGGAGCTGG-3'

ClinVar aggregate classification (germline): Uncertain significance. Review status: criteria provided, multiple submitters, no conflicts (2 of 4 stars). 3 submissions from 3 submitters: Uncertain significance (3). Last evaluated 2024-09-01.

Conditions:
Very long chain acyl-CoA dehydrogenase deficiency (ACADVLD). Also called: Very Long-Chain Acyl-Coenzyme A Dehydrogenase Deficiency; VLCAD Deficiency. Identifiers: Orphanet 26793, MedGen C3887523, MONDO:0008723, OMIM 201475.

Submissions (3):

Department of Genetics of Metabolic Diseases, Institute of Medical & Molecular Genetics, Hospital Universitario Hospital La Paz
Classification: Uncertain significance for Very long chain acyl-CoA dehydrogenase deficiency. Last evaluated: 2024-09-01. Review status: criteria provided, single submitter. Criteria: ACMG Guidelines, 2015. Collection method: clinical testing. Allele origin: germline. Inheritance: Autosomal recessive inheritance. Affected: yes.
Comment: The variant NM_000018.3:c.358_360del p.(Ala120del) in ACADVL is present at low frequency in gnomAD (0.0003978%). Experimental analysis in fibroblasts confirmed the patient showed a significatively educed VLCAD´s activity (PMID: Hidalgo Mayoral I et al., in press).

ARUP Laboratories, Molecular Genetics and Genomics, ARUP Laboratories
Classification: Uncertain significance for Very long chain acyl-CoA dehydrogenase deficiency. Last evaluated: 2019-12-05. Review status: criteria provided, single submitter. Criteria: ARUP Molecular Germline Variant Investigation Process. Collection method: clinical testing. Allele origin: germline.
Comment: The ACADVL c.358_360delGCC; p.Ala120del variant (rs761449573), to our knowledge, is not reported in the medical literature or gene-specific databases. This variant is found on a single chromosome in the Genome Aggregation Database (1/251400 alleles), indicating it is not a common polymorphism. This variant deletes a single alanine residue, leaving the rest of the protein in-frame. However, given the lack of clinical and functional data, the significance of the p.Ala120del variant is uncertain at this time.

Wong Mito Lab, Molecular and Human Genetics, Baylor College of Medicine
Classification: Uncertain significance for Very long chain acyl-CoA dehydrogenase deficiency. Last evaluated: 2019-11-01. Review status: criteria provided, single submitter. Criteria: ACMG Guidelines, 2015. Collection method: clinical testing. Allele origin: germline.
Comment: The NM_000018.3:c.358_360delGCC (NP_000009.1:p.Ala120del) [GRCH38: NC_000017.11:g.7220939_7220941del] variant in ACADVL gene is interpretated to be Uncertain Significance based on ACMG guidelines (PMID: 25741868). This variant has been reported. This variant meets the following evidence codes reported in the ACMG guidelines: PM1

Literature cited by the submitters: PubMed 41022664 (cited by Department of Genetics of Metabolic Diseases, Institute of Medical & Molecular Genetics, Hospital Universitario Hospital La Paz).